The following is an entry in ClinVar:

ClinVar aggregate classification (germline): Uncertain significance (1 of 4 stars; one submission).

Submission:

Ambry Genetics
Classification: Uncertain significance. Last evaluated: 2026-06-20. Review status: criteria provided, single submitter. Criteria: Ambry Variant Classification Scheme 2023. Collection method: clinical testing. Allele origin: germline.
Comment: The p.D589V variant (also known as c.1766A>T), located in coding exon 13 of the GEN1 gene, results from an A to T substitution at nucleotide position 1766. The aspartic acid at codon 589 is replaced by valine, an amino acid with highly dissimilar properties. This amino acid position is conserved. In addition, the in silico prediction for this alteration is inconclusive. Based on the available evidence, the clinical significance of this variant remains unclear.

NM_001130009.3(GEN1):c.1766A>T (p.Asp589Val)

Gene: GEN1 (GEN1 structure-specific endonuclease; plus strand). Cytogenetic location: 2p24.2.
Variant type: single nucleotide variant.
Coding change: c.1766A>T on transcript NM_001130009.3 (MANE Select); coding-DNA position 1766, A replaced by T.
Protein change: p.Asp589Val; replaces aspartic acid 589 with valine.
Molecular consequence: missense variant.
Genome position (GRCh38, 1-based): chr2:17,780,978, A>T. VCF-style: chr2-17780978-A-T. GRCh37 (hg19) VCF-style: chr2-17962245-A-T.
Other names: c.1766A>T, p.Asp589Val (NM_182625.5); short protein forms D589V.
Identifiers: ClinVar variation 5022285 (VCV005022285.1).